The following is an entry in ClinVar:

ClinVar aggregate classification (germline): Conflicting classifications of pathogenicity. Review status: criteria provided, conflicting classifications (1 of 4 stars). 2 submissions from 2 submitters: Uncertain significance (1); Likely benign (1). Last evaluated 2025-09-22.

Conditions:
Inborn genetic diseases. Identifiers: MedGen C0950123, MeSH D030342.

Allele frequency attached by ClinVar (database versions not stated): gnomAD 0.00005 and 0.00004; TOPMed 0.00003.
gnomAD v4.1: 220 of 1,607,980 alleles (0.014%); highest among the groups gnomAD compares: Middle Eastern, 0.05%; no homozygotes.

Submissions (2):

Ambry Genetics
Classification: Likely benign for Inborn genetic diseases. Last evaluated: 2025-09-22. Review status: criteria provided, single submitter. Criteria: Ambry Variant Classification Scheme 2023. Collection method: clinical testing. Allele origin: germline.

Labcorp Genetics (formerly Invitae), Labcorp
Classification: Uncertain significance. Last evaluated: 2022-06-19. Review status: criteria provided, single submitter. Criteria: Invitae Variant Classification Sherloc (09022015). Collection method: clinical testing. Allele origin: germline.
Comment: This sequence change replaces alanine, which is neutral and non-polar, with valine, which is neutral and non-polar, at codon 209 of the PPA2 protein (p.Ala209Val). This variant is present in population databases (rs761515078, gnomAD 0.01%). This variant has not been reported in the literature in individuals affected with PPA2-related conditions. Algorithms developed to predict the effect of missense changes on protein structure and function output the following: SIFT: "Tolerated"; PolyPhen-2: "Benign"; Align-GVGD: "Class C0". The valine amino acid residue is found in multiple mammalian species, which suggests that this missense change does not adversely affect protein function. In summary, the available evidence is currently insufficient to determine the role of this variant in disease. Therefore, it has been classified as a Variant of Uncertain Significance.

NM_176869.3(PPA2):c.626C>T (p.Ala209Val)

Gene: PPA2 (inorganic pyrophosphatase 2; minus strand). Cytogenetic location: 4q24.
Variant type: single nucleotide variant.
Coding change: c.626C>T on transcript NM_176869.3 (MANE Select); coding-DNA position 626, C replaced by T.
Protein change: p.Ala209Val; replaces alanine 209 with valine.
Molecular consequence: missense variant. On other transcripts: intron variant (1).
Genome position (GRCh38, 1-based): chr4:105,424,225, G>A on the plus strand (C>T on the coding strand, the complement: PPA2 is on the minus strand). VCF-style: chr4-105424225-G-A. GRCh37 (hg19) VCF-style: chr4-106345382-G-A.
Other names: c.539C>T, p.Ala180Val (NM_006903.4); c.320C>T, p.Ala107Val (NM_176866.2); c.158-25061C>T (NM_176867.3); c.626C>T (NM_176869.2); short protein forms A180V, A209V, A107V.
Identifiers: ClinVar variation 1448171 (VCV001448171.6), dbSNP rs761515078, ClinGen allele CA3032480.